The following is an entry in ClinVar:

NM_000155.4(GALT):c.997C>G (p.Arg333Gly)

Gene: GALT (galactose-1-phosphate uridylyltransferase; plus strand). Cytogenetic location: 9p13.3.
Variant type: single nucleotide variant.
Coding change: c.997C>G on transcript NM_000155.4 (MANE Select); coding-DNA position 997, C replaced by G.
Protein change: p.Arg333Gly; replaces arginine 333 with glycine.
Molecular consequence: missense variant.
Genome position (GRCh38, 1-based): chr9:34,649,502, C>G. VCF-style: chr9-34649502-C-G. GRCh37 (hg19) VCF-style: chr9-34649499-C-G.
Other names: c.670C>G, p.Arg224Gly (NM_001258332.2); short protein forms R333G, R224G.
Identifiers: ClinVar variation 3623 (VCV000003623.17), dbSNP rs111033800, ClinGen allele CA340109.
Genomic context (GRCh38, chr9:34,649,502, plus strand): 5'-TGGAACCATTGGCAGCTGCACGCTCATTACTACCCTCCGCTCCTGCGCTCTGCCACTGTC[C>G]GGAAATTCATGGTTGGCTACGAAATGCTTGCTCAGGCTCAGAGGGACCTCACCCCTGAGC-3'
Protein context (NP_000146.2, residues 323-343): YPPLLRSATV[Arg333Gly]KFMVGYEMLA

ClinVar aggregate classification (germline): Pathogenic. Review status: criteria provided, multiple submitters, no conflicts (2 of 4 stars). 5 submissions from 5 submitters: Pathogenic (4). 1 of the submissions does not count toward it. Last evaluated 2025-12-17.

Conditions:
Galactosemia. Also called: Galactose intolerance. Identifiers: Orphanet 352, MedGen C0016952, MONDO:0018116, HP:0004919. Disease mechanism: loss of function.
Deficiency of UDPglucose-hexose-1-phosphate uridylyltransferase. Also called: GALACTOSE-1-PHOSPHATE URIDYLYLTRANSFERASE DEFICIENCY; Transferase Deficiency Galactosemia; GALACTOSEMIA I; GALT deficiency; Galactosemia, classic. Identifiers: Orphanet 352, Orphanet 79239, MedGen C0268151, MONDO:0009258, OMIM 230400.

Allele frequency attached by ClinVar (database versions not stated): TOPMed 0.00001; gnomAD 0.00002.

Submissions (5):

Natera, Inc.
Classification: Pathogenic for Galactosemia. Last evaluated: 2025-12-17. Review status: criteria provided, single submitter. Criteria: Natera Variant Classification Schema (03/2026). Collection method: clinical testing. Allele origin: germline.
Comment: The c.997C>G variant in GALT is a missense variant predicted to cause substitution of arginine to glycine at amino acid 333. This variant is rare in the general population with a frequency below the threshold expected for the associated phenotype(s). This variant has been observed in one or more individuals affected with the associated recessive disease, as either homozygous or compound heterozygous with a second variant (PMID: 23749220, 9635294, 19375122). Computational prediction algorithms indicate this variant is likely to affect gene or protein function. Given the available evidence, this variant is classified as Pathogenic.

Baylor Genetics
Classification: Pathogenic for Deficiency of UDPglucose-hexose-1-phosphate uridylyltransferase. Last evaluated: 2024-02-13. Review status: criteria provided, single submitter. Criteria: ACMG Guidelines, 2015. Collection method: clinical testing. Allele origin: unknown.

Labcorp Genetics (formerly Invitae), Labcorp
Classification: Pathogenic for Deficiency of UDPglucose-hexose-1-phosphate uridylyltransferase. Last evaluated: 2023-08-11. Review status: criteria provided, single submitter. Criteria: Invitae Variant Classification Sherloc (09022015). Collection method: clinical testing. Allele origin: germline.
Comment: This variant disrupts the p.Arg333 amino acid residue in GALT. Other variant(s) that disrupt this residue have been determined to be pathogenic (PMID: 1897530, 10384398, 10399107, 18207281, 25592817). This suggests that this residue is clinically significant, and that variants that disrupt this residue are likely to be disease-causing. For these reasons, this variant has been classified as Pathogenic. Experimental studies have shown that this missense change affects GALT function (PMID: 23583749). Advanced modeling of protein sequence and biophysical properties (such as structural, functional, and spatial information, amino acid conservation, physicochemical variation, residue mobility, and thermodynamic stability) performed at Invitae indicates that this missense variant is expected to disrupt GALT protein function. ClinVar contains an entry for this variant (Variation ID: 3623). This missense change has been observed in individual(s) with galactosemia (PMID: 10439960, 12872845, 23749220). This variant is not present in population databases (gnomAD no frequency). This sequence change replaces arginine, which is basic and polar, with glycine, which is neutral and non-polar, at codon 333 of the GALT protein (p.Arg333Gly).

Mendelics
Classification: Pathogenic for Deficiency of UDPglucose-hexose-1-phosphate uridylyltransferase. Last evaluated: 2019-05-28. Review status: criteria provided, single submitter. Criteria: Mendelics Assertion Criteria 2017. Collection method: clinical testing. Allele origin: unknown.

OMIM
Classification: Pathogenic for GALACTOSEMIA I. Last evaluated: 1999-07-01. Review status: no assertion criteria provided. Collection method: literature only. Allele origin: germline. Not counted in ClinVar's aggregate classification.

Literature cited by the submitters: PubMed 23749220 (cited by Natera, Inc. and Labcorp Genetics (formerly Invitae), Labcorp); PubMed 9635294 (cited by Natera, Inc.); PubMed 19375122 (cited by Natera, Inc.); PubMed 1897530 (cited by Labcorp Genetics (formerly Invitae), Labcorp); PubMed 10384398 (cited by Labcorp Genetics (formerly Invitae), Labcorp); PubMed 10399107 (cited by Labcorp Genetics (formerly Invitae), Labcorp); PubMed 18207281 (cited by Labcorp Genetics (formerly Invitae), Labcorp); PubMed 25592817 (cited by Labcorp Genetics (formerly Invitae), Labcorp); PubMed 23583749 (cited by Labcorp Genetics (formerly Invitae), Labcorp); PubMed 10439960 (cited by Labcorp Genetics (formerly Invitae), Labcorp and OMIM); PubMed 12872845 (cited by Labcorp Genetics (formerly Invitae), Labcorp).